The following is an entry in ClinVar:

NM_022455.5(NSD1):c.4509G>A (p.Met1503Ile)

Gene: NSD1 (nuclear receptor binding SET domain protein 1; plus strand). Cytogenetic location: 5q35.3.
Variant type: single nucleotide variant.
Coding change: c.4509G>A on transcript NM_022455.5 (MANE Select); coding-DNA position 4509, G replaced by A.
Protein change: p.Met1503Ile; replaces methionine 1503 with isoleucine.
Molecular consequence: missense variant.
Genome position (GRCh38, 1-based): chr5:177,248,192, G>A. VCF-style: chr5-177248192-G-A. GRCh37 (hg19) VCF-style: chr5-176675193-G-A.
Other names: c.3636G>A, p.Met1212Ile (NM_001365684.2, NM_001409306.1, NM_001409307.1 and 3 more transcripts); c.4509G>A, p.Met1503Ile (NM_001409301.1, NM_001409302.1, NM_001409303.1); c.4089G>A, p.Met1363Ile (NM_001409304.1); c.3756G>A, p.Met1252Ile (NM_001409305.1); short protein forms M1234I, M1503I, M1363I, M1212I, M1252I.
Identifiers: ClinVar variation 698121 (VCV000698121.13), dbSNP rs199574095, ClinGen allele CA3577662.

ClinVar aggregate classification (germline): Benign/Likely benign. Review status: criteria provided, multiple submitters, no conflicts (2 of 4 stars). 6 submissions from 6 submitters: Benign (2); Likely benign (2). 2 of the submissions do not count toward it. Last evaluated 2025-07-02.

Conditions:
NSD1-related disorder. Also called: NSD1-related condition.
Sotos syndrome (SOTOS). Also called: CHROMOSOME 5q35 DELETION SYNDROME; CEREBRAL GIGANTISM; Sotos' syndrome; SOTOS SYNDROME 1; Distinctive facial appearance, overgrowth in childhood, and learning disabilities or delayed development. Identifiers: Orphanet 821, MedGen C0175695, MONDO:0019349, OMIM 117550.

Allele frequency attached by ClinVar (database versions not stated): TOPMed 0.00007; gnomAD exomes 0.00019 and 0.00016; ExAC 0.00024; ESP Exome Variant Server 0.00008; gnomAD 0.00020 and 0.00018.

Submissions (6):

Labcorp Genetics (formerly Invitae), Labcorp
Classification: Likely benign. Last evaluated: 2025-07-02. Review status: criteria provided, single submitter. Criteria: Invitae Variant Classification Sherloc (09022015). Collection method: clinical testing. Allele origin: germline.

Blueprint Genetics
Classification: Likely benign. Last evaluated: 2024-07-22. Review status: criteria provided, single submitter. Criteria: ACMG Guidelines, 2015. Collection method: clinical testing. Allele origin: germline.

Genome-Nilou Lab
Classification: Benign for Sotos syndrome. Last evaluated: 2021-07-15. Review status: criteria provided, single submitter. Criteria: ACMG Guidelines, 2015. Collection method: clinical testing. Allele origin: germline. Affected: no.

GeneDx
Classification: Benign. Last evaluated: 2020-02-24. Review status: criteria provided, single submitter. Criteria: GeneDx Variant Classification Process June 2021. Collection method: clinical testing. Allele origin: germline. Affected: yes.

PreventionGenetics, part of Exact Sciences
Classification: Likely benign for NSD1-related condition. Last evaluated: 2024-05-29. Review status: no assertion criteria provided. Collection method: clinical testing. Allele origin: germline. Not counted in ClinVar's aggregate classification.
Comment: This variant is classified as likely benign based on ACMG/AMP sequence variant interpretation guidelines (Richards et al. 2015 PMID: 25741868, with internal and published modifications).

Genetic Services Laboratory, University of Chicago
Classification: Benign. Last evaluated: 2022-07-08. Review status: no assertion criteria provided. Collection method: clinical testing. Allele origin: germline. Affected: no. Not counted in ClinVar's aggregate classification.